The following is an entry in ClinVar:

ClinVar aggregate classification (germline): Uncertain significance (1 of 4 stars; one submission).

Conditions:
Ullrich congenital muscular dystrophy 2 (UCMD2). Identifiers: Orphanet 75840, MedGen C4225314, MONDO:0014654, OMIM 616470.
Bethlem myopathy 2 (BTHLM2). Identifiers: Orphanet 536516, Orphanet 610, MedGen C4225313, MONDO:0034022, OMIM 616471.

Submission:

Labcorp Genetics (formerly Invitae), Labcorp
Classification: Uncertain significance for Bethlem myopathy 2; Ullrich congenital muscular dystrophy 2. Last evaluated: 2019-05-09. Review status: criteria provided, single submitter. Criteria: Invitae Variant Classification Sherloc (09022015). Collection method: clinical testing. Allele origin: germline.
Comment: This sequence change falls in intron 22 of the COL12A1 gene. It does not directly change the encoded amino acid sequence of the COL12A1 protein, but it affects a nucleotide within the consensus splice site of the intron. This variant is not present in population databases (ExAC no frequency). This variant has not been reported in the literature in individuals with COL12A1-related conditions. Nucleotide substitutions within the consensus splice site are a relatively common cause of aberrant splicing (PMID: 17576681, 9536098). Algorithms developed to predict the effect of sequence changes on RNA splicing suggest that this variant may disrupt the consensus splice site, but this prediction has not been confirmed by published transcriptional studies. In summary, the available evidence is currently insufficient to determine the role of this variant in disease. Therefore, it has been classified as a Variant of Uncertain Significance.

NM_004370.6(COL12A1):c.4287+4A>T

Gene: COL12A1 (collagen type XII alpha 1 chain; minus strand). Cytogenetic location: 6q13.
Variant type: single nucleotide variant.
Coding change: c.4287+4A>T on transcript NM_004370.6 (MANE Select); 4 bases into the intron after coding-DNA position 4287, A replaced by T.
Molecular consequence: intron variant.
Genome position (GRCh38, 1-based): chr6:75,148,354, T>A on the plus strand (A>T on the coding strand, the complement: COL12A1 is on the minus strand). VCF-style: chr6-75148354-T-A. GRCh37 (hg19) VCF-style: chr6-75858070-T-A.
Other names: c.795+4A>T (NM_080645.3).
Identifiers: ClinVar variation 948019 (VCV000948019.1), dbSNP rs1767305838, ClinGen allele CA1139659704.